The following is an entry in ClinVar:

NM_032444.4(SLX4):c.13G>A (p.Val5Met)

Gene: SLX4 (SLX4 structure-specific endonuclease subunit; minus strand). Cytogenetic location: 16p13.3.
Variant type: single nucleotide variant.
Coding change: c.13G>A on transcript NM_032444.4 (MANE Select); coding-DNA position 13, G replaced by A.
Protein change: p.Val5Met; replaces valine 5 with methionine.
Molecular consequence: missense variant.
Genome position (GRCh38, 1-based): chr16:3,608,952, C>T on the plus strand (G>A on the coding strand, the complement: SLX4 is on the minus strand). VCF-style: chr16-3608952-C-T. GRCh37 (hg19) VCF-style: chr16-3658953-C-T.
Other names: c.13G>A (LRG_503t1); short protein forms V5M.
Identifiers: ClinVar variation 319188 (VCV000319188.13), dbSNP rs750091754, ClinGen allele CA7866967.

ClinVar aggregate classification (germline): Uncertain significance. Review status: criteria provided, multiple submitters, no conflicts (2 of 4 stars). 2 submissions from 2 submitters: Uncertain significance (2). Last evaluated 2025-08-18.

Conditions:
Fanconi anemia complementation group P. Also called: SLX4-Related Fanconi Anemia. Identifiers: Orphanet 84, MedGen C3469542, MONDO:0013499, OMIM 613951.
Fanconi anemia (FA). Also called: Fanconi's anemia. Identifiers: Orphanet 84, MedGen C0015625, MeSH D005199, MONDO:0019391.

Allele frequency attached by ClinVar (database versions not stated): ExAC 0.00001; gnomAD 0.00001; gnomAD exomes 0.00001; TOPMed 0.00001.
gnomAD v4.1: 13 of 1,613,286 alleles (0.00081%); highest among the groups gnomAD compares: Middle Eastern, 0.017%; no homozygotes.

Submissions (2):

Labcorp Genetics (formerly Invitae), Labcorp
Classification: Uncertain significance for Fanconi anemia. Last evaluated: 2025-08-18. Review status: criteria provided, single submitter. Criteria: Invitae Variant Classification Sherloc (09022015). Collection method: clinical testing. Allele origin: germline.
Comment: This sequence change replaces valine, which is neutral and non-polar, with methionine, which is neutral and non-polar, at codon 5 of the SLX4 protein (p.Val5Met). This variant is present in population databases (rs750091754, gnomAD 0.003%). This variant has not been reported in the literature in individuals affected with SLX4-related conditions. ClinVar contains an entry for this variant (Variation ID: 319188). An algorithm developed to predict the effect of missense changes on protein structure and function (PolyPhen-2) suggests that this variant is likely to be tolerated. In summary, the available evidence is currently insufficient to determine the role of this variant in disease. Therefore, it has been classified as a Variant of Uncertain Significance.

Illumina Laboratory Services, Illumina
Classification: Uncertain significance for Fanconi anemia complementation group P. Last evaluated: 2018-01-13. Review status: criteria provided, single submitter. Criteria: ICSL Variant Classification Criteria 13 December 2019. Collection method: clinical testing. Allele origin: germline.